The following is an entry in ClinVar:

ClinVar aggregate classification (germline): Pathogenic (1 of 4 stars; one submission).

Conditions:
Neurofibromatosis, type 1 (NF1). Also called: NEUROFIBROMATOSIS, TYPE I, SOMATIC; VON RECKLINGHAUSEN DISEASE; Peripheral type neurofibromatosis; Neurofibromatosis, type I. Identifiers: Orphanet 636, MedGen C0027831, MONDO:0018975, OMIM 162200. Disease mechanism: loss of function.

Submission:

Labcorp Genetics (formerly Invitae), Labcorp
Classification: Pathogenic for Neurofibromatosis, type 1. Last evaluated: 2022-07-12. Review status: criteria provided, single submitter. Criteria: Invitae Variant Classification Sherloc (09022015). Collection method: clinical testing. Allele origin: germline.
Comment: This sequence change creates a premature translational stop signal (p.Ser1234Phefs*5) in the NF1 gene. It is expected to result in an absent or disrupted protein product. Loss-of-function variants in NF1 are known to be pathogenic (PMID: 10712197, 23913538). This variant is not present in population databases (gnomAD no frequency). This variant has not been reported in the literature in individuals affected with NF1-related conditions. ClinVar contains an entry for this variant (Variation ID: 1443786). For these reasons, this variant has been classified as Pathogenic.

Literature cited by the submitters: PubMed 10712197; PubMed 23913538.

NM_001042492.3(NF1):c.3700dup (p.Ser1234fs)

Gene: NF1 (neurofibromin 1; plus strand). Cytogenetic location: 17q11.2.
Variant type: Duplication.
Coding change: c.3700dup on transcript NM_001042492.3 (MANE Select); coding-DNA position 3700, one base duplicated (T; older notation c.3700dupT).
Protein change: p.Ser1234fs; shifts the reading frame from serine 1234.
Molecular consequence: frameshift variant.
Genome position (GRCh38, 1-based): chr17:31,233,205, T duplicated; the last of 2 consecutive T bases (chr17:31,233,204-31,233,205); duplicating either gives the same sequence. VCF-style (leftmost placement, unchanged base first): chr17-31233203-G-GT. GRCh37 (hg19) VCF-style: chr17-29560221-G-GT.
Other names: c.3700dup, p.Ser1234Phefs (NM_000267.4); short protein forms S1234fs.
Identifiers: ClinVar variation 1443786 (VCV001443786.6), dbSNP rs2151435809, ClinGen allele CA2573153363.